The following is an entry in ClinVar:

NM_019066.5(MAGEL2):c.2174C>G (p.Ser725Cys)

Gene: MAGEL2 (MAGE family member L2; minus strand). Cytogenetic location: 15q11.2.
Variant type: single nucleotide variant.
Coding change: c.2174C>G on transcript NM_019066.5 (MANE Select); coding-DNA position 2174, C replaced by G.
Protein change: p.Ser725Cys; replaces serine 725 with cysteine.
Molecular consequence: missense variant.
Genome position (GRCh38, 1-based): chr15:23,645,569, G>C on the plus strand (C>G on the coding strand, the complement: MAGEL2 is on the minus strand). VCF-style: chr15-23645569-G-C. GRCh37 (hg19) VCF-style: chr15-23890716-G-C.
Other names: short protein forms S725C.
Identifiers: ClinVar variation 4977087 (VCV004977087.1).
Genomic context (GRCh38, chr15:23,645,569, plus strand): 5'-GGGGCCCTGCGCTCCTTCGAGGAGGTCCTGCGCTCTTTAGAGGAGCCCCTGCGGTCTATA[G>C]AAGAGGCCCTGCATTCTCCTGATGGAGTCATCAATGATTTAGCGGAGCCCAGGGGAAAAT-3'
Protein context (NP_061939.3, residues 715-735): MTPSGECRAS[Ser725Cys]IDRRGSSKER

ClinVar aggregate classification (germline): Uncertain significance (1 of 4 stars; one submission).

Conditions:
MAGEL2-related disorder. Also called: MAGEL2-related condition.

Submission:

PreventionGenetics, part of Exact Sciences
Classification: Uncertain significance for MAGEL2-related condition. Last evaluated: 2026-05-29. Review status: criteria provided, single submitter. Criteria: ACMG Guidelines, 2015. Collection method: clinical testing. Allele origin: germline.
Comment: The MAGEL2 c.2174C>G variant is predicted to result in the amino acid substitution p.Ser725Cys. To our knowledge, this variant has not been reported in the literature. This variant is reported in 0.0033% of alleles in individuals of South Asian descent in gnomAD, however, this variant falls within a highly paralogous region, and therefore allele frequency data should be interpreted with caution. At this time, the clinical significance of this variant is uncertain due to the absence of conclusive functional and genetic evidence.